The following is an entry in ClinVar:

ClinVar aggregate classification (germline): Uncertain significance (1 of 4 stars; one submission).

Submission:

ISCA site 15
Classification: Uncertain significance. Last evaluated: 2011-08-12. Review status: criteria provided, single submitter. Criteria: Kaminsky et al. (Genet Med. 2011). Collection method: clinical testing. Allele origin: unknown. Affected: yes. Observed: 1 variant allele.
Comment: Copy number variation identified through the course of routine clinical cytogenomic testing in postnatal populations. Clinical assertions have been curated as described in Kaminsky et al. 2011.

GRCh38/hg38 Yq11.223-11.23(chrY:22728116-24198731)x2

Genes: BPY2 (basic charge Y-linked 2; plus strand), CDY1B (chromodomain Y-linked 1B; minus strand), DAZ1 (deleted in azoospermia 1; minus strand), DAZ2 (deleted in azoospermia 2; plus strand), TTTY17A (testis expressed transcript, Y-linked 17A; plus strand) and 3 more. Cytogenetic location: Yq11.223-11.23.
Variant type: copy number gain.
Change: copy number 2 of chrY:22,728,116-24,198,731 (1.47 Mb, GRCh38 coordinates, 1-based), cytogenetic band Yq11.223-11.23.
Identifiers: ClinVar variation 60454 (VCV000060454.1).